The following is an entry in ClinVar:

ClinVar aggregate classification (germline): Uncertain significance. Review status: criteria provided, multiple submitters, no conflicts (2 of 4 stars). 2 submissions from 2 submitters: Uncertain significance (2). Last evaluated 2023-12-14.

Allele frequency attached by ClinVar (database versions not stated): gnomAD exomes 0.00001; ExAC 0.00005.
gnomAD v4.1: 11 of 1,594,412 alleles (0.00069%); highest among the groups gnomAD compares: Non-Finnish European, 0.00094%; no homozygotes.

Submissions (2):

Blueprint Genetics
Classification: Uncertain significance. Last evaluated: 2023-12-14. Review status: criteria provided, single submitter. Criteria: ACMG Guidelines, 2015. Collection method: clinical testing. Allele origin: germline.

Labcorp Genetics (formerly Invitae), Labcorp
Classification: Uncertain significance. Last evaluated: 2023-12-13. Review status: criteria provided, single submitter. Criteria: Invitae Variant Classification Sherloc (09022015). Collection method: clinical testing. Allele origin: germline.
Comment: This sequence change replaces leucine, which is neutral and non-polar, with proline, which is neutral and non-polar, at codon 128 of the NRL protein (p.Leu128Pro). The frequency data for this variant in the population databases is considered unreliable, as metrics indicate poor data quality at this position in the gnomAD database. This variant has not been reported in the literature in individuals affected with NRL-related conditions. An algorithm developed to predict the effect of missense changes on protein structure and function (PolyPhen-2) suggests that this variant is likely to be tolerated. In summary, the available evidence is currently insufficient to determine the role of this variant in disease. Therefore, it has been classified as a Variant of Uncertain Significance.

NM_001354768.3(NRL):c.383T>C (p.Leu128Pro)

Gene: NRL (neural retina leucine zipper; minus strand). Cytogenetic location: 14q11.2.
Variant type: single nucleotide variant.
Coding change: c.383T>C on transcript NM_001354768.3 (MANE Select); coding-DNA position 383, T replaced by C.
Protein change: p.Leu128Pro; replaces leucine 128 with proline.
Molecular consequence: missense variant.
Genome position (GRCh38, 1-based): chr14:24,081,567, A>G on the plus strand (T>C on the coding strand, the complement: NRL is on the minus strand). VCF-style: chr14-24081567-A-G. GRCh37 (hg19) VCF-style: chr14-24550776-A-G.
Other names: c.383T>C, p.Leu128Pro (NM_001354769.1, NM_006177.5); c.68T>C, p.Leu23Pro (NM_001354770.2); short protein forms L23P, L128P.
Identifiers: ClinVar variation 3001276 (VCV003001276.4), dbSNP rs761270634, ClinGen allele CA7122843.